The following is an entry in ClinVar:

ClinVar aggregate classification (germline): Benign/Likely benign. Review status: criteria provided, multiple submitters, no conflicts (2 of 4 stars). 3 submissions from 3 submitters: Benign (1); Likely benign (2). Last evaluated 2025-02-14.

Conditions:
Hereditary cancer-predisposing syndrome. Also called: Neoplastic Syndromes, Hereditary; Tumor predisposition; Hereditary Cancer Syndrome; Hereditary neoplastic syndrome. Identifiers: Orphanet 140162, MedGen C0027672, MeSH D009386, MONDO:0015356.
Breast-ovarian cancer, familial, susceptibility to, 3. Also called: RAD51C-Related Breast/Ovarian Cancer. Identifiers: Orphanet 145, MedGen C3150659, MONDO:0013253, OMIM 613399.

Submissions (3):

Myriad Genetics, Inc.
Classification: Benign for Breast-ovarian cancer, familial, susceptibility to, 3. Last evaluated: 2025-02-14. Review status: criteria provided, single submitter. Criteria: Myriad Autosomal Dominant, Autosomal Recessive and X-Linked Classification Criteria (2023). Collection method: clinical testing. Allele origin: unknown.
Comment: This variant is considered benign. This variant is a silent/synonymous amino acid change and it is not expected to impact splicing.

Ambry Genetics
Classification: Likely benign for Hereditary cancer-predisposing syndrome. Last evaluated: 2021-02-06. Review status: criteria provided, single submitter. Criteria: Ambry Variant Classification Scheme 2023. Collection method: clinical testing. Allele origin: germline.

Color Diagnostics, LLC DBA Color Health
Classification: Likely benign for Hereditary cancer-predisposing syndrome. Last evaluated: 2019-05-21. Review status: criteria provided, single submitter. Criteria: ACMG Guidelines, 2015. Collection method: clinical testing. Allele origin: germline.

NM_058216.3(RAD51C):c.96C>T (p.Phe32=)

Gene: RAD51C (RAD51 paralog C; plus strand). Cytogenetic location: 17q22.
Variant type: single nucleotide variant.
Coding change: c.96C>T on transcript NM_058216.3 (MANE Select); coding-DNA position 96, C replaced by T.
Protein change: p.Phe32=; no amino-acid change (phenylalanine 32 retained).
Molecular consequence: synonymous variant. On other transcripts: non-coding transcript variant (1).
Genome position (GRCh38, 1-based): chr17:58,692,739, C>T. VCF-style: chr17-58692739-C-T. GRCh37 (hg19) VCF-style: chr17-56770100-C-T.
Other names: c.96C>T, p.Phe32= (NM_002876.4).
Identifiers: ClinVar variation 924929 (VCV000924929.5), dbSNP rs1228923241, ClinGen allele CA501074375.